The following is an entry in ClinVar:

NR_003051.3(RMRP):n.-35_-8dup

Gene: RMRP (RNA component of mitochondrial RNA processing endoribonuclease; minus strand). Cytogenetic location: 9p13.3.
Variant type: Duplication.
Genome position: GRCh38 VCF-style: chr9-35658025-T-TCAGCTTCACAGAGTAGTATTTTATAGCC. GRCh37 (hg19) VCF-style: chr9-35658022-T-TCAGCTTCACAGAGTAGTATTTTATAGCC.
Identifiers: ClinVar variation 847467 (VCV000847467.6), dbSNP rs1823641404, ClinGen allele CA916080410.

ClinVar aggregate classification (germline): Conflicting classifications of pathogenicity. Review status: criteria provided, conflicting classifications (1 of 4 stars). 2 submissions from 2 submitters: Likely pathogenic (1); Uncertain significance (1). Last evaluated 2025-09-02.

Conditions:
Metaphyseal chondrodysplasia, McKusick type (CHH). Also called: Cartilage-hair hypoplasia; Cartilage-Hair Hypoplasia (CHH). Identifiers: Orphanet 175, MedGen C0220748, MONDO:0009595, OMIM 250250.
Anauxetic dysplasia. Identifiers: Orphanet 93347, MedGen C1846796, MONDO:0011773.

Submissions (2):

Natera, Inc.
Classification: Likely pathogenic for Cartilage-hair hypoplasia. Last evaluated: 2025-09-02. Review status: criteria provided, single submitter. Criteria: Natera Variant Classification Schema (03/2026). Collection method: clinical testing. Allele origin: germline.
Comment: The n.-35_-8dup variant in RMRP is a duplication affecting the RMRP promoter region between the TATA box and the transcription initiation site. Other duplications and insertions just upstream of the transcription initiation site have been reported in individuals affected with cartilage-hair hypoplasia (PMID: 11207361, 17937437). This variant is rare in the general population with a frequency below the threshold expected for the associated phenotype(s). Given the available evidence, this variant is classified as Likely pathogenic.

Labcorp Genetics (formerly Invitae), Labcorp
Classification: Uncertain significance for Anauxetic dysplasia. Last evaluated: 2021-07-14. Review status: criteria provided, single submitter. Criteria: Invitae Variant Classification Sherloc (09022015). Collection method: clinical testing. Allele origin: germline.
Comment: This variant occurs in the RMRP gene, which encodes an RNA molecule that does not result in a protein product. The frequency data for this variant in the population databases is considered unreliable, as metrics indicate insufficient coverage at this position in the ExAC database. This variant has not been reported in the literature in individuals affected with RMRP-related conditions. Experimental studies and prediction algorithms are not available or were not evaluated, and the functional significance of this variant is currently unknown. In summary, the available evidence is currently insufficient to determine the role of this variant in disease. Therefore, it has been classified as a Variant of Uncertain Significance.

Literature cited by the submitters: PubMed 11207361 (cited by Natera, Inc.); PubMed 17937437 (cited by Natera, Inc.).